The following is an entry in ClinVar:

ClinVar aggregate classification (germline): Uncertain significance (1 of 4 stars; one submission).

gnomAD v4.1: 2 of 1,608,938 alleles (0.00012%); highest among the groups gnomAD compares: Non-Finnish European, 0.000085%; no homozygotes.

Submission:

GeneDx
Classification: Uncertain significance. Last evaluated: 2023-05-09. Review status: criteria provided, single submitter. Criteria: GeneDx Variant Classification Process June 2021. Collection method: clinical testing. Allele origin: germline. Affected: yes.
Comment: Not observed at significant frequency in large population cohorts (gnomAD); In silico analysis supports that this missense variant has a deleterious effect on protein structure/function; Has not been previously published as pathogenic or benign to our knowledge

NM_001385012.1(NBEA):c.4459C>T (p.Arg1487Trp)

Gene: NBEA (neurobeachin; plus strand). Cytogenetic location: 13q13.3.
Variant type: single nucleotide variant.
Coding change: c.4459C>T on transcript NM_001385012.1 (MANE Select); coding-DNA position 4459, C replaced by T.
Protein change: p.Arg1487Trp; replaces arginine 1487 with tryptophan.
Molecular consequence: missense variant.
Genome position (GRCh38, 1-based): chr13:35,173,499, C>T. VCF-style: chr13-35173499-C-T. GRCh37 (hg19) VCF-style: chr13-35747636-C-T.
Other names: c.4450C>T, p.Arg1484Trp (NM_001379245.1); c.4459C>T, p.Arg1487Trp (NM_015678.5); short protein forms R1484W, R1487W.
Identifiers: ClinVar variation 2662063 (VCV002662063.1), dbSNP rs1469659331, ClinGen allele CA387830390.